The following is an entry in ClinVar:

NM_032447.5(FBN3):c.8251C>T (p.Arg2751Cys)

Gene: FBN3 (fibrillin 3; minus strand). Cytogenetic location: 19p13.2.
Variant type: single nucleotide variant.
Coding change: c.8251C>T on transcript NM_032447.5 (MANE Select); coding-DNA position 8251, C replaced by T.
Protein change: p.Arg2751Cys; replaces arginine 2751 with cysteine.
Molecular consequence: missense variant.
Genome position (GRCh38, 1-based): chr19:8,066,098, G>A on the plus strand (C>T on the coding strand, the complement: FBN3 is on the minus strand). VCF-style: chr19-8066098-G-A. GRCh37 (hg19) VCF-style: chr19-8130982-G-A.
Other names: c.8251C>T (NM_032447.3); c.8251C>T, p.Arg2751Cys (NM_001321431.2); short protein forms R2751C.
Identifiers: ClinVar variation 2072793 (VCV002072793.5), dbSNP rs376621511, ClinGen allele CA9150583.
Genomic context (GRCh38, chr19:8,066,098, plus strand): 5'-CAGGCCCCGGCCGCCTCCGCCCCAGCTGCAGGGAGCTGACGCCACGGAGGTGATGCATGC[G>A]AAAGAAACCTTGCTCGTTTCCGCGGACGATGACGTAGCGGATCCGGCCCTCTAGACCCTC-3'
Protein context (NP_115823.3, residues 2741-2761): IVRGNEQGFF[Arg2751Cys]MHHLRGVSSL

ClinVar aggregate classification (germline): Uncertain significance. Review status: criteria provided, multiple submitters, no conflicts (2 of 4 stars). 2 submissions from 2 submitters: Uncertain significance (2). Last evaluated 2025-08-13.

Allele frequency attached by ClinVar (database versions not stated): ExAC 0.00003; gnomAD 0.00004; TOPMed 0.00003; ESP Exome Variant Server 0.00008.
gnomAD v4.1: 13 of 1,613,420 alleles (0.00081%); highest among the groups gnomAD compares: Middle Eastern, 0.016%; no homozygotes.

Submissions (2):

Ambry Genetics
Classification: Uncertain significance. Last evaluated: 2025-08-13. Review status: criteria provided, single submitter. Criteria: Ambry Variant Classification Scheme 2023. Collection method: clinical testing. Allele origin: germline.

Labcorp Genetics (formerly Invitae), Labcorp
Classification: Uncertain significance. Last evaluated: 2022-04-01. Review status: criteria provided, single submitter. Criteria: Invitae Variant Classification Sherloc (09022015). Collection method: clinical testing. Allele origin: germline.
Comment: This sequence change replaces arginine, which is basic and polar, with cysteine, which is neutral and slightly polar, at codon 2751 of the FBN3 protein (p.Arg2751Cys). This variant is present in population databases (rs376621511, gnomAD 0.02%). This variant has not been reported in the literature in individuals affected with FBN3-related conditions. Algorithms developed to predict the effect of missense changes on protein structure and function are either unavailable or do not agree on the potential impact of this missense change (SIFT: "Not Available"; PolyPhen-2: "Benign"; Align-GVGD: "Not Available"). In summary, the available evidence is currently insufficient to determine the role of this variant in disease. Therefore, it has been classified as a Variant of Uncertain Significance.